The following is an entry in ClinVar:

NM_001303256.3(MORC2):c.2326-1G>A

Gene: MORC2 (MORC family CW-type zinc finger 2; minus strand). Cytogenetic location: 22q12.2.
Variant type: single nucleotide variant.
Coding change: c.2326-1G>A on transcript NM_001303256.3 (MANE Select); the canonical splice acceptor site of the intron before coding-DNA position 2326, G replaced by A.
Molecular consequence: splice acceptor variant.
Genome position (GRCh38, 1-based): chr22:30,933,521, C>T on the plus strand (G>A on the coding strand, the complement: MORC2 is on the minus strand). VCF-style: chr22-30933521-C-T. GRCh37 (hg19) VCF-style: chr22-31329508-C-T.
Other names: c.2326-1G>A (NM_001303257.2); c.2140-1G>A (NM_014941.3).
Identifiers: ClinVar variation 4085196 (VCV004085196.8).

ClinVar aggregate classification (germline): Uncertain significance (1 of 4 stars; one submission).

Submission:

CeGaT Center for Human Genetics Tuebingen
Classification: Uncertain significance. Last evaluated: 2025-06-01. Review status: criteria provided, single submitter. Criteria: CeGaT Center For Human Genetics Tuebingen Variant Classification Criteria Version 2. Collection method: clinical testing. Allele origin: germline. Affected: yes. Observed: 1 variant allele.
Comment: MORC2: PM2